The following is an entry in ClinVar:

ClinVar aggregate classification (germline): Uncertain significance (1 of 4 stars; one submission).

Conditions:
Hereditary cancer-predisposing syndrome. Also called: Neoplastic Syndromes, Hereditary; Tumor predisposition; Hereditary Cancer Syndrome; Hereditary neoplastic syndrome. Identifiers: Orphanet 140162, MedGen C0027672, MeSH D009386, MONDO:0015356.

gnomAD v4.1: 2 of 1,451,956 alleles (0.00014%); highest among the groups gnomAD compares: South Asian, 0.0014%; no homozygotes.

Submission:

Ambry Genetics
Classification: Uncertain significance for Hereditary cancer-predisposing syndrome. Last evaluated: 2026-02-16. Review status: criteria provided, single submitter. Criteria: Ambry Variant Classification Scheme 2023. Collection method: clinical testing. Allele origin: germline.
Comment: The p.G22D variant (also known as c.65G>A), located in coding exon 1 of the PTCH1 gene, results from a G to A substitution at nucleotide position 65. The glycine at codon 22 is replaced by aspartic acid, an amino acid with similar properties. This amino acid position is conserved. In addition, this alteration is predicted to be tolerated by in silico analysis. Based on the available evidence, the clinical significance of this variant remains unclear.

NM_000264.5(PTCH1):c.65G>A (p.Gly22Asp)

Genes: PTCH1 (patched 1; minus strand), LOC130002133 (ATAC-STARR-seq lymphoblastoid silent region 20071; plus strand). Cytogenetic location: 9q22.32.
Variant type: single nucleotide variant.
Coding change: c.65G>A on transcript NM_000264.5 (MANE Select); coding-DNA position 65, G replaced by A.
Protein change: p.Gly22Asp; replaces glycine 22 with aspartic acid.
Molecular consequence: missense variant. On other transcripts: non-coding transcript variant (1), intron variant (3).
Genome position (GRCh38, 1-based): chr9:95,508,297, C>T on the plus strand (G>A on the coding strand, the complement: PTCH1 is on the minus strand). VCF-style: chr9-95508297-C-T. GRCh37 (hg19) VCF-style: chr9-98270579-C-T.
Other names: c.65G>A, p.Gly22Asp (NM_001354918.2); c.199-1698G>A (NM_001083603.3); c.4-1698G>A (NM_001083602.3, NM_001354919.2); short protein forms G22D.
Identifiers: ClinVar variation 4845082 (VCV004845082.1).